The following is an entry in ClinVar:

NM_025233.7(COASY):c.164C>A (p.Ser55Tyr)

Gene: COASY (Coenzyme A synthase; plus strand). Cytogenetic location: 17q21.2.
Variant type: single nucleotide variant.
Coding change: c.164C>A on transcript NM_025233.7 (MANE Select); coding-DNA position 164, C replaced by A.
Protein change: p.Ser55Tyr; replaces serine 55 with tyrosine.
Molecular consequence: missense variant.
Genome position (GRCh38, 1-based): chr17:42,562,786, C>A. VCF-style: chr17-42562786-C-A. GRCh37 (hg19) VCF-style: chr17-40714804-C-A.
Other names: p.Ser55Tyr; c.164C>A, p.Ser55Tyr (NM_001042529.3); c.251C>A, p.Ser84Tyr (NM_001042532.4); short protein forms S55Y, S84Y.
Identifiers: ClinVar variation 379956 (VCV000379956.19), dbSNP rs615942, ClinGen allele CA8577929.

ClinVar aggregate classification (germline): Benign. Review status: criteria provided, multiple submitters, no conflicts (2 of 4 stars). 10 submissions from 9 submitters: Benign (8). 2 of the submissions do not count toward it. Last evaluated 2026-02-04.

Conditions:
Pontocerebellar hypoplasia, type 12. Identifiers: Orphanet 611256, MedGen C4748873, MONDO:0032643, OMIM 618266.
Neurodegeneration with brain iron accumulation 6 (NBIA6). Also called: COASY protein-associated neurodegeneration. Identifiers: Orphanet 397725, MedGen C4517377, MONDO:0014290, OMIM 615643.

Allele frequency attached by ClinVar (database versions not stated): TOPMed 0.49133; gnomAD 0.49854 and 0.50334; ESP Exome Variant Server 0.50500; 1000 Genomes Project 0.50699; 1000 Genomes Project 30x 0.50734; gnomAD exomes 0.53194; ExAC 0.53898.
gnomAD v4.1: 880,879 of 1,609,410 alleles (55%); highest among the groups gnomAD compares: South Asian, 63%; 243,392 homozygotes.

Submissions (10):

Labcorp Genetics (formerly Invitae), Labcorp
Classification: Benign for Neurodegeneration with brain iron accumulation 6. Last evaluated: 2026-02-04. Review status: criteria provided, single submitter. Criteria: Invitae Variant Classification Sherloc (09022015). Collection method: clinical testing. Allele origin: germline.

Blueprint Genetics
Classification: Benign. Last evaluated: 2024-11-28. Review status: criteria provided, single submitter. Criteria: ACMG Guidelines, 2015. Collection method: clinical testing. Allele origin: germline.

Unidad de Genómica Garrahan, Hospital de Pediatría Garrahan
Classification: Benign. Last evaluated: 2024-07-31. Review status: criteria provided, single submitter. Criteria: ACMG Guidelines, 2015. Collection method: clinical testing. Allele origin: germline. Affected: no. Observed: 70 variant alleles.
Comment: This variant is classified as Benign based on local population frequency. This variant was detected in 75% of patients studied in a panel designed for Epileptic and Developmental Encephalopathy, Progressive Myoclonus Epilepsy and Abnormal Movements and Neurodegeneration with brain iron accumulation. Number of patients: 70. Only high quality variants are reported.

Mayo Clinic Laboratories, Mayo Clinic
Classification: Benign. Last evaluated: 2022-10-27. Review status: criteria provided, single submitter. Criteria: ACMG Guidelines, 2015. Collection method: clinical testing. Allele origin: germline. Observed: 195 variant alleles.

Genome-Nilou Lab
Classification: Benign for Neurodegeneration with brain iron accumulation 6. Last evaluated: 2021-07-22. Review status: criteria provided, single submitter. Criteria: ACMG Guidelines, 2015. Collection method: clinical testing. Allele origin: germline. Affected: no.

Genome-Nilou Lab
Classification: Benign for Pontocerebellar hypoplasia, type 12. Last evaluated: 2021-07-22. Review status: criteria provided, single submitter. Criteria: ACMG Guidelines, 2015. Collection method: clinical testing. Allele origin: germline. Affected: no.

GeneDx
Classification: Benign. Last evaluated: 2015-12-02. Review status: criteria provided, single submitter. Criteria: GeneDx Variant Classification (06012015). Collection method: clinical testing. Allele origin: germline. Affected: yes.
Comment: This variant is considered likely benign or benign based on one or more of the following criteria: it is a conservative change, it occurs at a poorly conserved position in the protein, it is predicted to be benign by multiple in silico algorithms, and/or has population frequency not consistent with disease.

Breakthrough Genomics
Classification: Benign. Review status: criteria provided, single submitter. Criteria: ACMG Guidelines, 2015. Collection method: not provided. Allele origin: germline. Inheritance: Autosomal recessive inheritance. Affected: yes.

Clinical Genetics DNA and cytogenetics Diagnostics Lab, Erasmus MC, Erasmus Medical Center
Classification: Benign. Review status: no assertion criteria provided. Collection method: clinical testing. Allele origin: germline. Affected: yes. Study: VKGL Data-share Consensus. Not counted in ClinVar's aggregate classification.

Genome Diagnostics Laboratory, Amsterdam University Medical Center
Classification: Benign. Review status: no assertion criteria provided. Collection method: clinical testing. Allele origin: germline. Affected: yes. Study: VKGL Data-share Consensus. Not counted in ClinVar's aggregate classification.